The following is an entry in ClinVar:

NM_006516.4(SLC2A1):c.730A>G (p.Met244Val)

Gene: SLC2A1 (solute carrier family 2 member 1; minus strand). Cytogenetic location: 1p34.2.
Variant type: single nucleotide variant.
Coding change: c.730A>G on transcript NM_006516.4 (MANE Select); coding-DNA position 730, A replaced by G.
Protein change: p.Met244Val; replaces methionine 244 with valine.
Molecular consequence: missense variant.
Genome position (GRCh38, 1-based): chr1:42,929,730, T>C on the plus strand (A>G on the coding strand, the complement: SLC2A1 is on the minus strand). VCF-style: chr1-42929730-T-C. GRCh37 (hg19) VCF-style: chr1-43395401-T-C.
Other names: c.730A>G (NM_006516.2); short protein forms M244V.
Identifiers: ClinVar variation 1717706 (VCV001717706.8), dbSNP rs1305932942, ClinGen allele CA339958082.

ClinVar aggregate classification (germline): Conflicting classifications of pathogenicity. Review status: criteria provided, conflicting classifications (1 of 4 stars). 2 submissions from 2 submitters: Likely pathogenic (1); Uncertain significance (1). Last evaluated 2025-08-07.

Conditions:
GLUT1 deficiency syndrome 1, autosomal recessive. Identifiers: MedGen C3149117.

Submissions (2):

GeneDx
Classification: Likely pathogenic. Last evaluated: 2025-08-07. Review status: criteria provided, single submitter. Criteria: GeneDx Variant Classification Process June 2021. Collection method: clinical testing. Allele origin: germline.
Comment: In silico analysis supports that this missense variant has a deleterious effect on protein structure/function; Not observed at significant frequency in large population cohorts (gnomAD); This variant is associated with the following publications: (PMID: Wong_article)

Labcorp Genetics (formerly Invitae), Labcorp
Classification: Uncertain significance for GLUT1 deficiency syndrome 1, autosomal recessive. Last evaluated: 2022-08-22. Review status: criteria provided, single submitter. Criteria: Invitae Variant Classification Sherloc (09022015). Collection method: clinical testing. Allele origin: germline.
Comment: This variant is not present in population databases (gnomAD no frequency). This variant has not been reported in the literature in individuals affected with SLC2A1-related conditions. Advanced modeling of protein sequence and biophysical properties (such as structural, functional, and spatial information, amino acid conservation, physicochemical variation, residue mobility, and thermodynamic stability) performed at Invitae indicates that this missense variant is expected to disrupt SLC2A1 protein function. In summary, the available evidence is currently insufficient to determine the role of this variant in disease. Therefore, it has been classified as a Variant of Uncertain Significance. This sequence change replaces methionine, which is neutral and non-polar, with valine, which is neutral and non-polar, at codon 244 of the SLC2A1 protein (p.Met244Val).